The following is an entry in ClinVar:

ClinVar aggregate classification (germline): Uncertain significance (1 of 4 stars; one submission).

Conditions:
Atrial fibrillation, familial, 18 (ATFB18). Identifiers: MedGen C4310636, MONDO:0015001, OMIM 617280.

gnomAD v4.1: 5 of 1,614,046 alleles (0.00031%); highest among the groups gnomAD compares: African/African-American, 0.004%; no homozygotes.

Submission:

Labcorp Genetics (formerly Invitae), Labcorp
Classification: Uncertain significance for Atrial fibrillation, familial, 18. Last evaluated: 2025-10-10. Review status: criteria provided, single submitter. Criteria: Invitae Variant Classification Sherloc (09022015). Collection method: clinical testing. Allele origin: germline.
Comment: This sequence change replaces isoleucine, which is neutral and non-polar, with methionine, which is neutral and non-polar, at codon 194 of the MYL4 protein (p.Ile194Met). This variant is present in population databases (no rsID available, gnomAD 0.004%). This variant has not been reported in the literature in individuals affected with MYL4-related conditions. An algorithm developed to predict the effect of missense changes on protein structure and function (PolyPhen-2) suggests that this variant is likely to be disruptive. In summary, the available evidence is currently insufficient to determine the role of this variant in disease. Therefore, it has been classified as a Variant of Uncertain Significance.

NM_002476.2(MYL4):c.582C>G (p.Ile194Met)

Gene: MYL4 (myosin light chain 4; plus strand). Cytogenetic location: 17q21.32.
Variant type: single nucleotide variant.
Coding change: c.582C>G on transcript NM_002476.2 (MANE Select); coding-DNA position 582, C replaced by G.
Protein change: p.Ile194Met; replaces isoleucine 194 with methionine.
Molecular consequence: missense variant.
Genome position (GRCh38, 1-based): chr17:47,223,030, C>G. VCF-style: chr17-47223030-C-G. GRCh37 (hg19) VCF-style: chr17-45300396-C-G.
Other names: c.582C>G, p.Ile194Met (NM_001002841.2); short protein forms I194M.
Identifiers: ClinVar variation 4743800 (VCV004743800.1).
Genomic context (GRCh38, chr17:47,223,030, plus strand): 5'-GAGGCGCTGAGCCACATGGTGGCTGATTTTCACTTTTTTCCTAGCCTTTGTCAAGCACAT[C>G]ATGTCAGGGTGAAGCAGAGTCTTCCAGGTGAGTGCAGCCTCTCCCTCCTGGTCCCTTCCG-3'
Protein context (NP_002467.1, residues 184-197): CINYEAFVKH[Ile194Met]MSG